The following is an entry in ClinVar:

ClinVar aggregate classification (germline): Uncertain significance (1 of 4 stars; one submission).

Conditions:
Hereditary cancer-predisposing syndrome. Also called: Neoplastic Syndromes, Hereditary; Tumor predisposition; Hereditary Cancer Syndrome; Hereditary neoplastic syndrome. Identifiers: Orphanet 140162, MedGen C0027672, MeSH D009386, MONDO:0015356.

Submission:

Ambry Genetics
Classification: Uncertain significance for Hereditary cancer-predisposing syndrome. Last evaluated: 2020-09-28. Review status: criteria provided, single submitter. Criteria: Ambry Variant Classification Scheme 2023. Collection method: clinical testing. Allele origin: germline.
Comment: The p.D272Y variant (also known as c.814G>T), located in coding exon 7 of the NBN gene, results from a G to T substitution at nucleotide position 814. The aspartic acid at codon 272 is replaced by tyrosine, an amino acid with highly dissimilar properties. This amino acid position is highly conserved in available vertebrate species. In addition, the in silico prediction for this alteration is inconclusive. Since supporting evidence is limited at this time, the clinical significance of this alteration remains unclear.

NM_002485.5(NBN):c.814G>T (p.Asp272Tyr)

Gene: NBN (nibrin; minus strand). Cytogenetic location: 8q21.3.
Variant type: single nucleotide variant.
Coding change: c.814G>T on transcript NM_002485.5 (MANE Select); coding-DNA position 814, G replaced by T.
Protein change: p.Asp272Tyr; replaces aspartic acid 272 with tyrosine.
Molecular consequence: missense variant.
Genome position (GRCh38, 1-based): chr8:89,970,446, C>A on the plus strand (G>T on the coding strand, the complement: NBN is on the minus strand). VCF-style: chr8-89970446-C-A. GRCh37 (hg19) VCF-style: chr8-90982674-C-A.
Other names: c.568G>T, p.Asp190Tyr (NM_001024688.3); short protein forms D190Y, D272Y.
Identifiers: ClinVar variation 1762190 (VCV001762190.2), dbSNP rs1554563922, ClinGen allele CA371658560.
Genomic context (GRCh38, chr8:89,970,446, plus strand): 5'-ACTGAATCCATTTCTTCTGACAGTCAGGAATTAAGGTCTGTGAGTTTGTTATTCCTGTAT[C>A]AACAACACACGTTCCCGGAGCCAAAAAGAAATTATGTTCTTCTTCATTCTCTTCTGTTAT-3'
Protein context (NP_002476.2, residues 262-282): FFLAPGTCVV[Asp272Tyr]TGITNSQTLI